The following is an entry in ClinVar:

ClinVar aggregate classification (germline): Uncertain significance. Review status: criteria provided, multiple submitters, no conflicts (2 of 4 stars). 2 submissions from 2 submitters: Uncertain significance (2). Last evaluated 2025-05-09.

Conditions:
Inborn genetic diseases. Identifiers: MedGen C0950123, MeSH D030342.

Allele frequency attached by ClinVar (database versions not stated): gnomAD exomes below 0.00001.
gnomAD v4.1: 1 of 1,614,162 alleles (0.000062%); highest among the groups gnomAD compares: Non-Finnish European, 0.000085%; no homozygotes.

Submissions (2):

Ambry Genetics
Classification: Uncertain significance for Inborn genetic diseases. Last evaluated: 2025-05-09. Review status: criteria provided, single submitter. Criteria: Ambry Variant Classification Scheme 2023. Collection method: clinical testing. Allele origin: germline.
Comment: The p.L645P variant (also known as c.1934T>C), located in coding exon 18 of the ANKRD26 gene, results from a T to C substitution at nucleotide position 1934. The leucine at codon 645 is replaced by proline, an amino acid with similar properties. This amino acid position is conserved. In addition, this alteration is predicted to be tolerated by in silico analysis. Based on the available evidence, the clinical significance of this variant remains unclear.

Labcorp Genetics (formerly Invitae), Labcorp
Classification: Uncertain significance. Last evaluated: 2024-02-07. Review status: criteria provided, single submitter. Criteria: Invitae Variant Classification Sherloc (09022015). Collection method: clinical testing. Allele origin: germline.
Comment: This sequence change replaces leucine, which is neutral and non-polar, with proline, which is neutral and non-polar, at codon 645 of the ANKRD26 protein (p.Leu645Pro). This variant is not present in population databases (gnomAD no frequency). This variant has not been reported in the literature in individuals affected with ANKRD26-related conditions. Algorithms developed to predict the effect of missense changes on protein structure and function output the following: SIFT: "Not Available"; PolyPhen-2: "Benign"; Align-GVGD: "Not Available". The proline amino acid residue is found in multiple mammalian species, which suggests that this missense change does not adversely affect protein function. In summary, the available evidence is currently insufficient to determine the role of this variant in disease. Therefore, it has been classified as a Variant of Uncertain Significance.

NM_014915.3(ANKRD26):c.1934T>C (p.Leu645Pro)

Gene: ANKRD26 (ankyrin repeat domain 26; minus strand). Cytogenetic location: 10p12.1.
Variant type: single nucleotide variant.
Coding change: c.1934T>C on transcript NM_014915.3 (MANE Select); coding-DNA position 1934, T replaced by C.
Protein change: p.Leu645Pro; replaces leucine 645 with proline.
Molecular consequence: missense variant.
Genome position (GRCh38, 1-based): chr10:27,046,404, A>G on the plus strand (T>C on the coding strand, the complement: ANKRD26 is on the minus strand). VCF-style: chr10-27046404-A-G. GRCh37 (hg19) VCF-style: chr10-27335333-A-G.
Other names: c.1931T>C, p.Leu644Pro (NM_001256053.2); short protein forms L644P, L645P.
Identifiers: ClinVar variation 2901143 (VCV002901143.4), dbSNP rs2538868393, ClinGen allele CA376353089.